The following is an entry in ClinVar:

ClinVar aggregate classification (germline): Uncertain significance (1 of 4 stars; one submission).

Conditions:
Peroxisome biogenesis disorder, complementation group 7 (CG7). Also called: Peroxisome biogenesis disorder, complementation group B. Identifiers: MedGen C1864399.

Allele frequency attached by ClinVar (database versions not stated): gnomAD exomes below 0.00001.
gnomAD v4.1: 1 of 1,609,606 alleles (0.000062%); highest among the groups gnomAD compares: Non-Finnish European, 0.000085%; no homozygotes.

Submission:

Labcorp Genetics (formerly Invitae), Labcorp
Classification: Uncertain significance for Peroxisome biogenesis disorder, complementation group 7. Last evaluated: 2022-01-31. Review status: criteria provided, single submitter. Criteria: Invitae Variant Classification Sherloc (09022015). Collection method: clinical testing. Allele origin: germline.
Comment: This sequence change replaces leucine, which is neutral and non-polar, with proline, which is neutral and non-polar, at codon 231 of the PEX10 protein (p.Leu231Pro). This variant is not present in population databases (gnomAD no frequency). This variant has not been reported in the literature in individuals affected with PEX10-related conditions. Algorithms developed to predict the effect of missense changes on protein structure and function output the following: SIFT: "Tolerated"; PolyPhen-2: "Benign"; Align-GVGD: "Class C0". The proline amino acid residue is found in multiple mammalian species, which suggests that this missense change does not adversely affect protein function. In summary, the available evidence is currently insufficient to determine the role of this variant in disease. Therefore, it has been classified as a Variant of Uncertain Significance.

NM_002617.4(PEX10):c.632T>C (p.Leu211Pro)

Gene: PEX10 (peroxisomal biogenesis factor 10; minus strand). Cytogenetic location: 1p36.32.
Variant type: single nucleotide variant.
Coding change: c.632T>C on transcript NM_002617.4 (MANE Select); coding-DNA position 632, T replaced by C.
Protein change: p.Leu211Pro; replaces leucine 211 with proline.
Molecular consequence: missense variant. On other transcripts: non-coding transcript variant (1).
Genome position (GRCh38, 1-based): chr1:2,406,864, A>G on the plus strand (T>C on the coding strand, the complement: PEX10 is on the minus strand). VCF-style: chr1-2406864-A-G. GRCh37 (hg19) VCF-style: chr1-2338303-A-G.
Other names: c.689T>C, p.Leu230Pro (NM_001374425.1); c.257T>C, p.Leu86Pro (NM_001374426.1); c.200T>C, p.Leu67Pro (NM_001374427.1); c.692T>C, p.Leu231Pro (NM_153818.2); short protein forms L230P, L211P, L231P, L86P, L67P.
Identifiers: ClinVar variation 2186386 (VCV002186386.4), dbSNP rs2522260762, ClinGen allele CA337985649.